The following is an entry in ClinVar:

ClinVar aggregate classification (germline): Uncertain significance (1 of 4 stars; one submission).

Submission:

CeGaT Center for Human Genetics Tuebingen
Classification: Uncertain significance. Last evaluated: 2025-08-01. Review status: criteria provided, single submitter. Criteria: CeGaT Center For Human Genetics Tuebingen Variant Classification Criteria Version 2. Collection method: clinical testing. Allele origin: germline. Affected: yes. Observed: 1 variant allele.
Comment: NPRL3: PM2

NM_001077350.3(NPRL3):c.1333C>G (p.Leu445Val)

Genes: HBA-LCR (alpha-globin locus control region; plus strand), NPRL3 (NPR3 like, GATOR1 complex subunit; minus strand). Cytogenetic location: 16p13.3.
Variant type: single nucleotide variant.
Coding change: c.1333C>G on transcript NM_001077350.3 (MANE Select); coding-DNA position 1333, C replaced by G.
Protein change: p.Leu445Val; replaces leucine 445 with valine.
Molecular consequence: missense variant.
Genome position (GRCh38, 1-based): chr16:89,731, G>C on the plus strand (C>G on the coding strand, the complement: NPRL3 is on the minus strand). VCF-style: chr16-89731-G-C. GRCh37 (hg19) VCF-style: chr16-139729-G-C.
Other names: c.796C>G, p.Leu266Val (NM_001039476.3); c.1099C>G, p.Leu367Val (NM_001243247.2); c.1258C>G, p.Leu420Val (NM_001243248.2, NM_001243249.2); short protein forms L266V, L367V, L420V, L445V.
Identifiers: ClinVar variation 4085917 (VCV004085917.8).